The following is an entry in ClinVar:

NM_000132.4(F8):c.6115+2T>C

Gene: F8 (coagulation factor VIII; minus strand). Cytogenetic location: Xq28.
Variant type: single nucleotide variant.
Coding change: c.6115+2T>C on transcript NM_000132.4 (MANE Select); the canonical splice donor site of the intron after coding-DNA position 6115, T replaced by C.
Molecular consequence: splice donor variant.
Genome position (GRCh38, 1-based): chrX:154,902,049, A>G on the plus strand (T>C on the coding strand, the complement: F8 is on the minus strand). VCF-style: chrX-154902049-A-G. GRCh37 (hg19) VCF-style: chrX-154130324-A-G.
Identifiers: ClinVar variation 2444111 (VCV002444111.1), dbSNP rs2073012337, ClinGen allele CA414904448.

ClinVar aggregate classification (germline): Pathogenic (1 of 4 stars; one submission).

Conditions:
Hereditary factor VIII deficiency disease (HEMA). Also called: Hemophilia A, congenital; HEM A; Factor 8 deficiency, congenital; HEMOPHILIA, CLASSIC; AUTOSOMAL HEMOPHILIA A; Hemophilia A. Identifiers: Orphanet 98878, MedGen C0019069, MONDO:0010602, OMIM 306700.

Submission:

3billion
Classification: Pathogenic for Hereditary factor VIII deficiency disease. Last evaluated: 2023-02-23. Review status: criteria provided, single submitter. Criteria: ACMG Guidelines, 2015. Collection method: clinical testing. Allele origin: unknown. Affected: yes.
Comment: The variant is not observed in the gnomAD v2.1.1 dataset. This variant was predicted to alter splicing and result in a loss or disruption of normal protein function. Multiple pathogenic loss-of-function variants are reported downstream of the variant. The variant has been reported to be associated with F8 related disorder (PMID: 23913812). Therefore, this variant is classified as Pathogenic according to the recommendation of ACMG/AMP guideline.

Literature cited by the submitters: PubMed 23913812.